The following is an entry in ClinVar:

ClinVar aggregate classification (germline): Pathogenic. Review status: criteria provided, single submitter (1 of 4 stars). 2 submissions from 2 submitters: Pathogenic (1). 1 of the submissions does not count toward it. Last evaluated 2023-08-26.

Conditions:
Spinocerebellar ataxia type 19/22 (SCA19). Also called: SPINOCEREBELLAR ATAXIA 22; SPINOCEREBELLAR ATAXIA 19. Identifiers: Orphanet 98772, MedGen C1846367, MONDO:0011819, OMIM 607346.

Submissions (2):

GeneDx
Classification: Pathogenic. Last evaluated: 2023-08-26. Review status: criteria provided, single submitter. Criteria: GeneDx Variant Classification Process June 2021. Collection method: clinical testing. Allele origin: germline. Affected: yes.
Comment: Not observed at significant frequency in large population cohorts (gnomAD); In silico analysis supports that this missense variant has a deleterious effect on protein structure/function; This variant is associated with the following publications: (PMID: 28327206)

Lupski Lab, Baylor-Hopkins CMG, Baylor College of Medicine
Classification: Pathogenic for Spinocerebellar ataxia type 19/22. Review status: no assertion criteria provided. Collection method: research. Allele origin: germline. Inheritance: Autosomal dominant inheritance. Affected: yes. Not counted in ClinVar's aggregate classification.

NM_001378969.1(KCND3):c.1153T>C (p.Ser385Pro)

Gene: KCND3 (potassium voltage-gated channel subfamily D member 3; minus strand). Cytogenetic location: 1p13.2.
Variant type: single nucleotide variant.
Coding change: c.1153T>C on transcript NM_001378969.1 (MANE Select); coding-DNA position 1153, T replaced by C.
Protein change: p.Ser385Pro; replaces serine 385 with proline.
Molecular consequence: missense variant.
Genome position (GRCh38, 1-based): chr1:111,787,060, A>G on the plus strand (T>C on the coding strand, the complement: KCND3 is on the minus strand). VCF-style: chr1-111787060-A-G. GRCh37 (hg19) VCF-style: chr1-112329682-A-G.
Other names: c.1153T>C, p.Ser385Pro (NM_001378970.1, NM_004980.5, NM_172198.3); short protein forms S385P.
Identifiers: ClinVar variation 375399 (VCV000375399.2), dbSNP rs1057519453, ClinGen allele CA16044213.